The following is an entry in ClinVar:

NM_014679.5(CEP57):c.800C>T (p.Pro267Leu)

Gene: CEP57 (centrosomal protein 57; plus strand). Cytogenetic location: 11q21.
Variant type: single nucleotide variant.
Coding change: c.800C>T on transcript NM_014679.5 (MANE Select); coding-DNA position 800, C replaced by T.
Protein change: p.Pro267Leu; replaces proline 267 with leucine.
Molecular consequence: missense variant.
Genome position (GRCh38, 1-based): chr11:95,821,971, C>T. VCF-style: chr11-95821971-C-T. GRCh37 (hg19) VCF-style: chr11-95555135-C-T.
Other names: c.773C>T, p.Pro258Leu (NM_001243776.2); c.800C>T, p.Pro267Leu (NM_001243777.2); c.719C>T, p.Pro240Leu (NM_001363604.2); short protein forms P240L, P258L, P267L.
Identifiers: ClinVar variation 4001008 (VCV004001008.1).

ClinVar aggregate classification (germline): Uncertain significance (1 of 4 stars; one submission).

Conditions:
Inborn genetic diseases. Identifiers: MedGen C0950123, MeSH D030342.

Submission:

Ambry Genetics
Classification: Uncertain significance for Inborn genetic diseases. Last evaluated: 2025-04-12. Review status: criteria provided, single submitter. Criteria: Ambry Variant Classification Scheme 2023. Collection method: clinical testing. Allele origin: germline.
Comment: The p.P267L variant (also known as c.800C>T), located in coding exon 7 of the CEP57 gene, results from a C to T substitution at nucleotide position 800. The proline at codon 267 is replaced by leucine, an amino acid with similar properties. This amino acid position is conserved. In addition, this alteration is predicted to be tolerated by in silico analysis. Based on the available evidence, the clinical significance of this variant remains unclear.